The following is an entry in ClinVar:

NM_020297.4(ABCC9):c.130A>G (p.Ile44Val)

Gene: ABCC9 (ATP binding cassette subfamily C member 9; minus strand). Cytogenetic location: 12p12.1.
Variant type: single nucleotide variant.
Coding change: c.130A>G on transcript NM_020297.4 (MANE Select); coding-DNA position 130, A replaced by G.
Protein change: p.Ile44Val; replaces isoleucine 44 with valine.
Molecular consequence: missense variant. On other transcripts: 5 prime UTR variant (1).
Genome position (GRCh38, 1-based): chr12:21,936,545, T>C on the plus strand (A>G on the coding strand, the complement: ABCC9 is on the minus strand). VCF-style: chr12-21936545-T-C. GRCh37 (hg19) VCF-style: chr12-22089479-T-C.
Other names: c.130A>G, p.Ile44Val (NM_001377273.1, NM_005691.4); c.-325A>G (NM_001377274.1); short protein forms I44V.
Identifiers: ClinVar variation 1015881 (VCV001015881.8), dbSNP rs750233555, ClinGen allele CA233626868.
Genomic context (GRCh38, chr12:21,936,545, plus strand): 5'-AGATATATAAACATCAAATGGTATAACATAAGATACTAGATTACTTACCAATAAACAATA[T>C]TGGAAAAGTGATAAACAACAGAAAGACATGAGGGACCAGGTTGAGGGCATCCACAAAGCA-3'
Protein context (NP_064693.2, residues 34-54): HVFLLFITFP[Ile44Val]LFIGWGSQSS

ClinVar aggregate classification (germline): Uncertain significance (1 of 4 stars; one submission).

Conditions:
Dilated cardiomyopathy 1O (CMD1O). Also called: CARDIOMYOPATHY, DILATED, WITH VENTRICULAR TACHYCARDIA. Identifiers: Orphanet 154, MedGen C1837839, MONDO:0012062, OMIM 608569.

Allele frequency attached by ClinVar (database versions not stated): gnomAD 0.00001; TOPMed 0.00001.

Submission:

Labcorp Genetics (formerly Invitae), Labcorp
Classification: Uncertain significance for Dilated cardiomyopathy 1O. Last evaluated: 2022-07-05. Review status: criteria provided, single submitter. Criteria: Invitae Variant Classification Sherloc (09022015). Collection method: clinical testing. Allele origin: germline.
Comment: ClinVar contains an entry for this variant (Variation ID: 1015881). This variant has not been reported in the literature in individuals affected with ABCC9-related conditions. This variant is not present in population databases (gnomAD no frequency). This sequence change replaces isoleucine, which is neutral and non-polar, with valine, which is neutral and non-polar, at codon 44 of the ABCC9 protein (p.Ile44Val). In summary, the available evidence is currently insufficient to determine the role of this variant in disease. Therefore, it has been classified as a Variant of Uncertain Significance. Algorithms developed to predict the effect of sequence changes on RNA splicing suggest that this variant may create or strengthen a splice site. Algorithms developed to predict the effect of missense changes on protein structure and function (SIFT, PolyPhen-2, Align-GVGD) all suggest that this variant is likely to be tolerated.